The following is an entry in ClinVar:

ClinVar aggregate classification (germline): Uncertain significance (1 of 4 stars; one submission).

Submission:

GeneDx
Classification: Uncertain significance. Last evaluated: 2024-11-25. Review status: criteria provided, single submitter. Criteria: GeneDx Variant Classification Process June 2021. Collection method: clinical testing. Allele origin: germline. Affected: yes.
Comment: Not observed at significant frequency in large population cohorts (gnomAD); In silico analysis supports that this missense variant has a deleterious effect on protein structure/function; Has not been previously published as pathogenic or benign to our knowledge

NM_001130021.3(ATP6V0A1):c.1366T>C (p.Phe456Leu)

Gene: ATP6V0A1 (ATPase H+ transporting V0 subunit a1; plus strand). Cytogenetic location: 17q21.2.
Variant type: single nucleotide variant.
Coding change: c.1366T>C on transcript NM_001130021.3 (MANE Select); coding-DNA position 1366, T replaced by C.
Protein change: p.Phe456Leu; replaces phenylalanine 456 with leucine.
Molecular consequence: missense variant. On other transcripts: intron variant (1).
Genome position (GRCh38, 1-based): chr17:42,495,085, T>C. VCF-style: chr17-42495085-T-C. GRCh37 (hg19) VCF-style: chr17-40647103-T-C.
Other names: c.1387T>C, p.Phe463Leu (NM_001130020.3, NM_001378522.1, NM_001378523.1 and 3 more transcripts); c.1489T>C, p.Phe497Leu (NM_001378530.1, NM_001378533.1, NM_001378551.1 and 1 more transcripts); c.1510T>C, p.Phe504Leu (NM_001378531.1, NM_001378532.1); c.1366T>C, p.Phe456Leu (NM_001378535.1, NM_001378537.1, NM_001378542.1 and 3 more transcripts); c.1258T>C, p.Phe420Leu (NM_001378536.1, NM_001378550.1, NM_001378556.1); c.1237T>C, p.Phe413Leu (NM_001378538.1, NM_001378540.1); c.1207T>C, p.Phe403Leu (NM_001378543.1); c.1156T>C, p.Phe386Leu (NM_001378545.1, NM_001378554.1); and 3 more; short protein forms F385L, F386L, F396L, F403L, F413L, F420L, F456L, F463L.
Identifiers: ClinVar variation 3900843 (VCV003900843.1).
Genomic context (GRCh38, chr17:42,495,085, plus strand): 5'-GGTTCCCAGATGTTTAGCACTGTGTTCAGTGGTCGATACATTATTTTATTGATGGGTGTG[T>C]TCTCCATGTACACTGGCCTCATCTACAATGATTGCTTTTCCAAGTCTCTTAATATCTTTG-3'
Protein context (NP_001123493.1, residues 446-466): GRYIILLMGV[Phe456Leu]SMYTGLIYND